The following is an entry in ClinVar:

NM_023110.3(FGFR1):c.421A>G (p.Thr141Ala)

Gene: FGFR1 (fibroblast growth factor receptor 1; minus strand). Cytogenetic location: 8p11.23.
Variant type: single nucleotide variant.
Coding change: c.421A>G on transcript NM_023110.3 (MANE Select); coding-DNA position 421, A replaced by G.
Protein change: p.Thr141Ala; replaces threonine 141 with alanine.
Molecular consequence: missense variant.
Genome position (GRCh38, 1-based): chr8:38,428,373, T>C on the plus strand (A>G on the coding strand, the complement: FGFR1 is on the minus strand). VCF-style: chr8-38428373-T-C. GRCh37 (hg19) VCF-style: chr8-38285891-T-C.
Other names: c.421A>G, p.Thr141Ala (NM_001174063.2, NM_001174065.2, NM_001354367.2 and 2 more transcripts); c.397A>G, p.Thr133Ala (NM_001174064.2); c.154A>G, p.Thr52Ala (NM_001174066.2, NM_001354368.2, NM_001354370.2 and 2 more transcripts); c.520A>G, p.Thr174Ala (NM_001174067.2); c.421A>G (NM_023110.2); short protein forms T133A, T141A, T174A, T52A.
Identifiers: ClinVar variation 1690742 (VCV001690742.4), dbSNP rs1315551279, ClinGen allele CA370735955.

ClinVar aggregate classification (germline): Uncertain significance. Review status: criteria provided, multiple submitters, no conflicts (2 of 4 stars). 3 submissions from 3 submitters: Uncertain significance (3). Last evaluated 2022-06-23.

Allele frequency attached by ClinVar (database versions not stated): gnomAD exomes below 0.00001 and 0.00003.
gnomAD v4.1: 15 of 1,614,178 alleles (0.00093%); highest among the groups gnomAD compares: Non-Finnish European, 0.0013%; no homozygotes.

Submissions (3):

Women's Health and Genetics/Laboratory Corporation of America, LabCorp
Classification: Uncertain significance. Last evaluated: 2022-06-23. Review status: criteria provided, single submitter. Criteria: LabCorp Variant Classification Summary - May 2015. Collection method: clinical testing. Allele origin: germline.
Comment: Variant summary: FGFR1 c.421A>G (p.Thr141Ala) results in a non-conservative amino acid change in the encoded protein sequence. Four of five in-silico tools predict a benign effect of the variant on protein function. The variant allele was found at a frequency of 4e-06 in 247142 control chromosomes (gnomAD). The available data on variant occurrences in the general population are insufficient to allow any conclusion about variant significance. To our knowledge, no occurrence of c.421A>G in individuals affected with FGFR1-Related Disorders and no experimental evidence demonstrating its impact on protein function have been reported. One clinical diagnostic laboratory has submitted clinical-significance assessments for this variant to ClinVar after 2014 without evidence for independent evaluation, and classified the variant as uncertain significance. Based on the evidence outlined above, the variant was classified as uncertain significance.

GeneDx
Classification: Uncertain significance. Last evaluated: 2022-06-01. Review status: criteria provided, single submitter. Criteria: GeneDx Variant Classification Process June 2021. Collection method: clinical testing. Allele origin: germline. Affected: yes.
Comment: Not observed at significant frequency in large population cohorts (gnomAD); In silico analysis supports that this missense variant does not alter protein structure/function; Has not been previously published as pathogenic or benign to our knowledge

Laboratorio de Genetica e Diagnostico Molecular, Hospital Israelita Albert Einstein
Classification: Uncertain significance. Last evaluated: 2019-12-17. Review status: criteria provided, single submitter. Criteria: ACMG Guidelines, 2015. Collection method: clinical testing. Allele origin: germline. Affected: yes.
Comment: ACMG classification criteria: PM2, PP2, BP4

Literature cited by the submitters: PubMed 30295334 (cited by Women's Health and Genetics/Laboratory Corporation of America, LabCorp); PubMed 27144063 (cited by Women's Health and Genetics/Laboratory Corporation of America, LabCorp).